The following is an entry in ClinVar:

ClinVar aggregate classification (germline): Uncertain significance (1 of 4 stars; one submission).

gnomAD v4.1: 1 of 1,613,812 alleles (0.000062%); highest among the groups gnomAD compares: South Asian, 0.0011%; no homozygotes.

Submission:

Labcorp Genetics (formerly Invitae), Labcorp
Classification: Uncertain significance. Last evaluated: 2025-09-14. Review status: criteria provided, single submitter. Criteria: Invitae Variant Classification Sherloc (09022015). Collection method: clinical testing. Allele origin: germline.
Comment: This sequence change replaces proline, which is neutral and non-polar, with glutamine, which is neutral and polar, at codon 292 of the C3 protein (p.Pro292Gln). This variant is not present in population databases (gnomAD no frequency). This variant has not been reported in the literature in individuals affected with C3-related conditions. An algorithm developed to predict the effect of missense changes on protein structure and function outputs the following: PolyPhen-2: "Benign". The glutamine amino acid residue is found in multiple mammalian species, which suggests that this missense change does not adversely affect protein function. In summary, the available evidence is currently insufficient to determine the role of this variant in disease. Therefore, it has been classified as a Variant of Uncertain Significance.

NM_000064.4(C3):c.875C>A (p.Pro292Gln)

Gene: C3 (complement C3; minus strand). Cytogenetic location: 19p13.3.
Variant type: single nucleotide variant.
Coding change: c.875C>A on transcript NM_000064.4 (MANE Select); coding-DNA position 875, C replaced by A.
Protein change: p.Pro292Gln; replaces proline 292 with glutamine.
Molecular consequence: missense variant.
Genome position (GRCh38, 1-based): chr19:6,713,408, G>T on the plus strand (C>A on the coding strand, the complement: C3 is on the minus strand). VCF-style: chr19-6713408-G-T. GRCh37 (hg19) VCF-style: chr19-6713419-G-T.
Other names: short protein forms P292Q.
Identifiers: ClinVar variation 4710234 (VCV004710234.1).